The following is an entry in ClinVar:

NM_199420.4(POLQ):c.4934T>A (p.Ile1645Asn)

Gene: POLQ (DNA polymerase theta; minus strand). Cytogenetic location: 3q13.33.
Variant type: single nucleotide variant.
Coding change: c.4934T>A on transcript NM_199420.4 (MANE Select); coding-DNA position 4934, T replaced by A.
Protein change: p.Ile1645Asn; replaces isoleucine 1645 with asparagine.
Molecular consequence: missense variant.
Genome position (GRCh38, 1-based): chr3:121,487,997, A>T on the plus strand (T>A on the coding strand, the complement: POLQ is on the minus strand). VCF-style: chr3-121487997-A-T. GRCh37 (hg19) VCF-style: chr3-121206844-A-T.
Other names: short protein forms I1645N.
Identifiers: ClinVar variation 2448901 (VCV002448901.2), dbSNP rs1380178276, ClinGen allele CA354093108.

ClinVar aggregate classification (germline): Uncertain significance (1 of 4 stars; one submission).

Submission:

Ambry Genetics
Classification: Uncertain significance. Last evaluated: 2022-11-06. Review status: criteria provided, single submitter. Criteria: Ambry Variant Classification Scheme 2023. Collection method: clinical testing. Allele origin: germline.
Comment: The p.I1645N variant (also known as c.4934T>A), located in coding exon 16 of the POLQ gene, results from a T to A substitution at nucleotide position 4934. The isoleucine at codon 1645 is replaced by asparagine, an amino acid with dissimilar properties. This amino acid position is conserved. In addition, the in silico prediction for this alteration is inconclusive. Since supporting evidence is limited at this time, the clinical significance of this alteration remains unclear.